The following is an entry in ClinVar:

ClinVar aggregate classification (germline): Likely benign (0 of 4 stars; one submission).

Conditions:
MYH9-related disorder. Identifiers: MedGen C1854520.

Allele frequency attached by ClinVar (database versions not stated): gnomAD exomes below 0.00001.
gnomAD v4.1: 3 of 1,614,148 alleles (0.00019%); highest among the groups gnomAD compares: Non-Finnish European, 0.00017%; no homozygotes.

Submission:

PreventionGenetics, part of Exact Sciences
Classification: Likely benign for MYH9-related condition. Last evaluated: 2020-03-17. Review status: no assertion criteria provided. Collection method: clinical testing. Allele origin: germline.
Comment: This variant is classified as likely benign based on ACMG/AMP sequence variant interpretation guidelines (Richards et al. 2015 PMID: 25741868, with internal and published modifications).

NM_002473.6(MYH9):c.3546C>A (p.Thr1182=)

Gene: MYH9 (myosin heavy chain 9; minus strand). Cytogenetic location: 22q12.3.
Variant type: single nucleotide variant.
Coding change: c.3546C>A on transcript NM_002473.6 (MANE Select); coding-DNA position 3546, C replaced by A.
Protein change: p.Thr1182=; no amino-acid change (threonine 1182 retained).
Molecular consequence: synonymous variant.
Genome position (GRCh38, 1-based): chr22:36,295,016, G>T on the plus strand (C>A on the coding strand, the complement: MYH9 is on the minus strand). VCF-style: chr22-36295016-G-T. GRCh37 (hg19) VCF-style: chr22-36691062-G-T.
Identifiers: ClinVar variation 3057854 (VCV003057854.2), dbSNP rs2517962488, ClinGen allele CA514354498.